The following is an entry in ClinVar:

ClinVar aggregate classification (germline): Uncertain significance (1 of 4 stars; one submission).

Allele frequency attached by ClinVar (database versions not stated): gnomAD 0.00001; TOPMed 0.00001; gnomAD exomes 0.00002.
gnomAD v4.1: 28 of 1,613,968 alleles (0.0017%); highest among the groups gnomAD compares: Non-Finnish European, 0.0024%; no homozygotes.

Submission:

Labcorp Genetics (formerly Invitae), Labcorp
Classification: Uncertain significance. Last evaluated: 2024-02-20. Review status: criteria provided, single submitter. Criteria: Invitae Variant Classification Sherloc (09022015). Collection method: clinical testing. Allele origin: germline.
Comment: This sequence change replaces isoleucine, which is neutral and non-polar, with asparagine, which is neutral and polar, at codon 197 of the BACH2 protein (p.Ile197Asn). This variant is not present in population databases (gnomAD no frequency). This variant has not been reported in the literature in individuals affected with BACH2-related conditions. Advanced modeling of protein sequence and biophysical properties (such as structural, functional, and spatial information, amino acid conservation, physicochemical variation, residue mobility, and thermodynamic stability) performed at Invitae indicates that this missense variant is not expected to disrupt BACH2 protein function with a negative predictive value of 80%. In summary, the available evidence is currently insufficient to determine the role of this variant in disease. Therefore, it has been classified as a Variant of Uncertain Significance.

NM_021813.4(BACH2):c.590T>A (p.Ile197Asn)

Gene: BACH2 (BACH transcriptional regulator 2; minus strand). Cytogenetic location: 6q15.
Variant type: single nucleotide variant.
Coding change: c.590T>A on transcript NM_021813.4 (MANE Select); coding-DNA position 590, T replaced by A.
Protein change: p.Ile197Asn; replaces isoleucine 197 with asparagine.
Molecular consequence: missense variant.
Genome position (GRCh38, 1-based): chr6:89,951,516, A>T on the plus strand (T>A on the coding strand, the complement: BACH2 is on the minus strand). VCF-style: chr6-89951516-A-T. GRCh37 (hg19) VCF-style: chr6-90661235-A-T.
Other names: c.590T>A, p.Ile197Asn (NM_001170794.2); short protein forms I197N.
Identifiers: ClinVar variation 3008223 (VCV003008223.3), dbSNP rs1200276696, ClinGen allele CA365072672.